The following is an entry in ClinVar:

ClinVar aggregate classification (germline): Likely benign (1 of 4 stars; one submission).

Conditions:
Jalili syndrome. Also called: CONE-ROD DYSTROPHY AND AMELOGENESIS IMPERFECTA. Identifiers: Orphanet 1873, MedGen C3495589, MONDO:0009007, OMIM 217080.

Allele frequency attached by ClinVar (database versions not stated): gnomAD 0.00255 and 0.00251; 1000 Genomes Project 0.00060; 1000 Genomes Project 30x 0.00062; TOPMed 0.00251.

Submission:

Illumina Laboratory Services, Illumina
Classification: Likely benign for Jalili syndrome. Last evaluated: 2018-01-12. Review status: criteria provided, single submitter. Criteria: ICSL Variant Classification Criteria 13 December 2019. Collection method: clinical testing. Allele origin: germline.
Comment: This variant was observed in the ICSL laboratory as part of a predisposition screen in an ostensibly healthy population. It had not been previously curated by ICSL or reported in the Human Gene Mutation Database (HGMD: prior to June 1st, 2018), and was therefore a candidate for classification through an automated scoring system. Utilizing variant allele frequency, disease prevalence and penetrance estimates, and inheritance mode, an automated score was calculated to assess if this variant is too frequent to cause the disease. Based on the score and internal cut-off values, a variant classified as likely benign is not then subjected to further curation. The score for this variant resulted in a classification of likely benign for this disease.

NM_020184.4(CNNM4):c.*1056C>T

Gene: CNNM4 (cyclin and CBS domain divalent metal cation transport mediator 4; plus strand). Cytogenetic location: 2q11.2.
Variant type: single nucleotide variant.
Coding change: c.*1056C>T on transcript NM_020184.4 (MANE Select); 1056 bases downstream of the stop codon, C replaced by T.
Molecular consequence: 3 prime UTR variant.
Genome position (GRCh38, 1-based): chr2:96,810,573, C>T. VCF-style: chr2-96810573-C-T. GRCh37 (hg19) VCF-style: chr2-97476310-C-T.
Identifiers: ClinVar variation 337605 (VCV000337605.5), dbSNP rs183039738, ClinGen allele CA10614251.